The following is an entry in ClinVar:

NM_001134831.2(AHI1):c.3546G>C (p.Met1182Ile)

Gene: AHI1 (Abelson helper integration site 1; minus strand). Cytogenetic location: 6q23.3.
Variant type: single nucleotide variant.
Coding change: c.3546G>C on transcript NM_001134831.2 (MANE Select); coding-DNA position 3546, G replaced by C.
Protein change: p.Met1182Ile; replaces methionine 1182 with isoleucine.
Molecular consequence: missense variant. On other transcripts: intron variant (1).
Genome position (GRCh38, 1-based): chr6:135,290,465, C>G on the plus strand (G>C on the coding strand, the complement: AHI1 is on the minus strand). VCF-style: chr6-135290465-C-G. GRCh37 (hg19) VCF-style: chr6-135611603-C-G.
Other names: c.3546G>C, p.Met1182Ile (NM_001134830.2, NM_001350503.2, NM_017651.5); c.3486-4818G>C (NM_001350504.2); short protein forms M1182I.
Identifiers: ClinVar variation 2167460 (VCV002167460.2), dbSNP rs184236039, ClinGen allele CA365840711.

ClinVar aggregate classification (germline): Uncertain significance (1 of 4 stars; one submission).

Conditions:
Joubert syndrome. Also called: CEREBELLOPARENCHYMAL DISORDER IV; JOUBERT-BOLTSHAUSER SYNDROME; Familial aplasia of the vermis. Identifiers: Orphanet 475, MedGen C5979921, MONDO:0018772.

Submission:

Labcorp Genetics (formerly Invitae), Labcorp
Classification: Uncertain significance for Joubert syndrome. Last evaluated: 2022-06-30. Review status: criteria provided, single submitter. Criteria: Invitae Variant Classification Sherloc (09022015). Collection method: clinical testing. Allele origin: germline.
Comment: In summary, the available evidence is currently insufficient to determine the role of this variant in disease. Therefore, it has been classified as a Variant of Uncertain Significance. Advanced modeling of protein sequence and biophysical properties (such as structural, functional, and spatial information, amino acid conservation, physicochemical variation, residue mobility, and thermodynamic stability) performed at Invitae indicates that this missense variant is not expected to disrupt AHI1 protein function. This variant has not been reported in the literature in individuals affected with AHI1-related conditions. This variant is not present in population databases (gnomAD no frequency). This sequence change replaces methionine, which is neutral and non-polar, with isoleucine, which is neutral and non-polar, at codon 1182 of the AHI1 protein (p.Met1182Ile).